The following is an entry in ClinVar:

NM_003070.5(SMARCA2):c.4708T>C (p.Phe1570Leu)

Gene: SMARCA2 (SWI/SNF related BAF chromatin remodeling complex subunit ATPase 2; plus strand). Cytogenetic location: 9p24.3.
Variant type: single nucleotide variant.
Coding change: c.4708T>C on transcript NM_003070.5 (MANE Select); coding-DNA position 4708, T replaced by C.
Protein change: p.Phe1570Leu; replaces phenylalanine 1570 with leucine.
Molecular consequence: missense variant.
Genome position (GRCh38, 1-based): chr9:2,191,379, T>C. VCF-style: chr9-2191379-T-C. GRCh37 (hg19) VCF-style: chr9-2191379-T-C.
Other names: c.4708T>C (NM_003070.4); c.4708T>C, p.Phe1570Leu (NM_001289396.2); c.4480T>C, p.Phe1494Leu (NM_001289397.2); c.682T>C, p.Phe228Leu (NM_001289398.2); c.766T>C, p.Phe256Leu (NM_001289399.2); c.772T>C, p.Phe258Leu (NM_001289400.2); c.4654T>C, p.Phe1552Leu (NM_139045.4); short protein forms F228L, F1494L, F1552L, F1570L, F256L, F258L.
Identifiers: ClinVar variation 1482718 (VCV001482718.8), dbSNP rs1373182486, ClinGen allele CA372792861.

ClinVar aggregate classification (germline): Conflicting classifications of pathogenicity. Review status: criteria provided, conflicting classifications (1 of 4 stars). 4 submissions from 3 submitters: Uncertain significance (3); Benign (1). Last evaluated 2026-09-24.

Conditions:
SMARCA2-related disorder. Also called: SMARCA2-related condition.
Nicolaides-Baraitser syndrome (NCBRS). Also called: Intellectual disability-sparse hair-brachydactyly syndrome; SMARCA2-Related Nicolaides-Baraitser Syndrome. Identifiers: Orphanet 3051, MedGen C1303073, MONDO:0011053, OMIM 601358.
Blepharophimosis-impaired intellectual development syndrome. Identifiers: Orphanet 637013, MedGen C5443984, MONDO:0859139, OMIM 619293.

Allele frequency attached by ClinVar (database versions not stated): gnomAD exomes below 0.00001; TOPMed below 0.00001.
gnomAD v4.1: 1 of 1,614,174 alleles (0.000062%); highest among the groups gnomAD compares: African/African-American, 0.0013%; no homozygotes.

Submissions (4):

PreventionGenetics, part of Exact Sciences
Classification: Uncertain significance for SMARCA2-related condition. Last evaluated: 2026-09-24. Review status: criteria provided, single submitter. Criteria: ACMG Guidelines, 2015. Collection method: clinical testing. Allele origin: germline.
Comment: The SMARCA2 c.4708T>C variant is predicted to result in the amino acid substitution p.Phe1570Leu. To our knowledge, this variant has not been reported in the literature or in a large population database (gnomAD), indicating this variant is rare. At this time, the clinical significance of this variant is uncertain due to the absence of conclusive functional and genetic evidence.

Labcorp Genetics (formerly Invitae), Labcorp
Classification: Benign. Last evaluated: 2025-02-24. Review status: criteria provided, single submitter. Criteria: Invitae Variant Classification Sherloc (09022015). Collection method: clinical testing. Allele origin: germline.

Baylor Genetics
Classification: Uncertain significance for Nicolaides-Baraitser syndrome. Last evaluated: 2022-12-06. Review status: criteria provided, single submitter. Criteria: ACMG Guidelines, 2015. Collection method: clinical testing. Allele origin: unknown.

Baylor Genetics
Classification: Uncertain significance for Blepharophimosis-impaired intellectual development syndrome. Last evaluated: 2022-12-06. Review status: criteria provided, single submitter. Criteria: ACMG Guidelines, 2015. Collection method: clinical testing. Allele origin: unknown.